The following is an entry in ClinVar:

NM_004646.4(NPHS1):c.1454_1455del (p.Val485fs)

Gene: NPHS1 (NPHS1 adhesion molecule, nephrin; minus strand). Cytogenetic location: 19q13.12.
Variant type: Deletion.
Coding change: c.1454_1455del on transcript NM_004646.4 (MANE Select); coding-DNA positions 1454 to 1455, 2 bases deleted (TG; older notation c.1454_1455delTG).
Protein change: p.Val485fs; shifts the reading frame from valine 485.
Molecular consequence: frameshift variant.
Genome position (GRCh38, 1-based): chr19:35,846,180-35,846,181, CA deleted on the plus strand (TG on the coding strand, the reverse complement: NPHS1 is on the minus strand); deleting any 2 consecutive bases within chr19:35,846,180-35,846,182 gives the same sequence; the c. name uses the placement nearest the transcript's 3' end. VCF-style (leftmost placement, unchanged base first): chr19-35846179-TCA-T. GRCh37 (hg19) VCF-style: chr19-36337081-TCA-T.
Other names: short protein forms V485fs.
Identifiers: ClinVar variation 1725872 (VCV001725872.2), dbSNP rs2513774476, ClinGen allele CA2580096864.
Genomic context (GRCh38, chr19:35,846,179, plus strand): 5'-CAGATTTCTCCACGCTGCCGAGATGCACGCGCCGCGACTCCTGCGGCAGCCGCGACTCGG[TCA>T]CGGTGCGCGAGTCCTACGGGCCGGGAGTGACTGGGGTTCGCAGGCAGCCCTGCCGCTTCC-3'

ClinVar aggregate classification (germline): Likely pathogenic (1 of 4 stars; one submission).

Conditions:
Finnish congenital nephrotic syndrome (NPHS1). Also called: NEPHROTIC SYNDROME, TYPE 1. Identifiers: Orphanet 839, MedGen C0403399, MONDO:0009732, OMIM 256300.

Submission:

Myriad Genetics, Inc.
Classification: Likely pathogenic for Finnish congenital nephrotic syndrome. Last evaluated: 2022-04-04. Review status: criteria provided, single submitter. Criteria: Myriad Women's Health Autosomal Recessive and X-Linked Classification Criteria (2021). Collection method: clinical testing. Allele origin: unknown.
Comment: NM_004646.3(NPHS1):c.1454_1455delTG(V485Dfs*62) is expected to be pathogenic in the context of nephrotic syndrome, NPHS1-related. This variant is predicted to lead to an abnormal or absent protein product due to the creation of a premature termination codon in NPHS1, a gene where loss-of-function variants are known to be pathogenic. Please note: this variant was assessed in the context of healthy population screening.